The following is an entry in ClinVar:

NM_000179.3(MSH6):c.3640G>T (p.Glu1214Ter)

Gene: MSH6 (mutS homolog 6; plus strand). Cytogenetic location: 2p16.3.
Variant type: single nucleotide variant.
Coding change: c.3640G>T on transcript NM_000179.3 (MANE Select); coding-DNA position 3640, G replaced by T.
Protein change: p.Glu1214Ter; replaces glutamic acid 1214 with a stop codon.
Molecular consequence: nonsense.
Genome position (GRCh38, 1-based): chr2:47,805,701, G>T. VCF-style: chr2-47805701-G-T. GRCh37 (hg19) VCF-style: chr2-48032840-G-T.
Other names: c.3250G>T, p.Glu1084Ter (NM_001281492.2); c.2734G>T, p.Glu912Ter (NM_001281493.2, NM_001281494.2, NM_001406811.1 and 6 more transcripts); c.3736G>T, p.Glu1246Ter (NM_001406795.1, NM_001406802.1); c.3640G>T, p.Glu1214Ter (NM_001406796.1, NM_001406800.1, NM_001406808.1 and 1 more transcripts); c.3343G>T, p.Glu1115Ter (NM_001406797.1, NM_001406801.1, NM_001406805.1 and 10 more transcripts); c.3466G>T, p.Glu1156Ter (NM_001406798.1); c.3115G>T, p.Glu1039Ter (NM_001406799.1, NM_001406806.1, NM_001406807.1); c.2776G>T, p.Glu926Ter (NM_001406803.1); and 7 more; short protein forms E1084*, E1246*, E163*, E529*, E912*, E1115*, E1188*, E692*.
Identifiers: ClinVar variation 1733516 (VCV001733516.8), dbSNP rs1114167744, ClinGen allele CA346760623.

ClinVar aggregate classification (germline): Pathogenic/Likely pathogenic. Review status: criteria provided, multiple submitters, no conflicts (2 of 4 stars). 6 submissions from 6 submitters: Pathogenic (4); Likely pathogenic (2). Last evaluated 2026-01-16.

Conditions:
Hereditary nonpolyposis colorectal neoplasms. Identifiers: MedGen C0009405, MeSH D003123.
Mismatch repair cancer syndrome 3. Identifiers: MedGen C5436807, MONDO:0030841, OMIM 619097.
Endometrial carcinoma. Also called: Endometrial carcinoma, somatic. Identifiers: MedGen C0476089, MONDO:0002447, OMIM 608089, HP:0012114.
Lynch syndrome 5 (LYNCH5). Also called: Hereditary non-polyposis colorectal cancer, type 5; Colorectal cancer, hereditary nonpolyposis, type 5. Identifiers: Orphanet 144, MedGen C1833477, MONDO:0013710, OMIM 614350. Disease mechanism: loss of function.
Hereditary cancer-predisposing syndrome. Also called: Neoplastic Syndromes, Hereditary; Tumor predisposition; Hereditary Cancer Syndrome; Hereditary neoplastic syndrome. Identifiers: Orphanet 140162, MedGen C0027672, MeSH D009386, MONDO:0015356.

Submissions (6):

Labcorp Genetics (formerly Invitae), Labcorp
Classification: Pathogenic for Hereditary nonpolyposis colorectal neoplasms. Last evaluated: 2026-01-16. Review status: criteria provided, single submitter. Criteria: Invitae Variant Classification Sherloc (09022015). Collection method: clinical testing. Allele origin: germline.
Comment: This sequence change creates a premature translational stop signal (p.Glu1214*) in the MSH6 gene. It is expected to result in an absent or disrupted protein product. Loss-of-function variants in MSH6 are known to be pathogenic (PMID: 18269114, 24362816). This variant is not present in population databases (gnomAD no frequency). This premature translational stop signal has been observed in individual(s) with endometrial cancer (PMID: 39433398). ClinVar contains an entry for this variant (Variation ID: 1733516). For these reasons, this variant has been classified as Pathogenic.

Ambry Genetics
Classification: Pathogenic for Hereditary cancer-predisposing syndrome. Last evaluated: 2025-07-30. Review status: criteria provided, single submitter. Criteria: Ambry Variant Classification Scheme 2023. Collection method: clinical testing. Allele origin: germline.
Comment: The p.E1214* pathogenic mutation (also known as c.3640G>T), located in coding exon 7 of the MSH6 gene, results from a G to T substitution at nucleotide position 3640. This changes the amino acid from a glutamic acid to a stop codon within coding exon 7. This variant is considered to be rare based on population cohorts in the Genome Aggregation Database (gnomAD). This alteration is expected to result in loss of function by premature protein truncation or nonsense-mediated mRNA decay. As such, this alteration is interpreted as a disease-causing mutation.

Baylor Genetics
Classification: Likely pathogenic for Endometrial carcinoma. Last evaluated: 2023-11-27. Review status: criteria provided, single submitter. Criteria: ACMG Guidelines, 2015. Collection method: clinical testing. Allele origin: unknown.

Myriad Genetics, Inc.
Classification: Pathogenic for Lynch syndrome 5. Last evaluated: 2023-08-24. Review status: criteria provided, single submitter. Criteria: Myriad Autosomal Dominant, Autosomal Recessive and X-Linked Classification Criteria (2023). Collection method: clinical testing. Allele origin: unknown.
Comment: This variant is considered pathogenic. This variant creates a termination codon and is predicted to result in premature protein truncation.

Dr. med. U. Finckh, Human Genetics, Eurofins MVZ
Classification: Likely pathogenic for Lynch syndrome 5. Last evaluated: 2023-01-01. Review status: criteria provided, single submitter. Criteria: ACMG Guidelines, 2015. Collection method: clinical testing. Allele origin: unknown. Affected: yes.

Department of Pathology and Laboratory Medicine, Sinai Health System
Classification: Pathogenic for Endometrial carcinoma; Lynch syndrome 5; Mismatch repair cancer syndrome 3. Last evaluated: 2019-11-25. Review status: criteria provided, single submitter. Criteria: ACMG Guidelines, 2015. Collection method: clinical testing. Allele origin: germline. Affected: no.

Literature cited by the submitters: PubMed 18269114 (cited by Labcorp Genetics (formerly Invitae), Labcorp); PubMed 24362816 (cited by Labcorp Genetics (formerly Invitae), Labcorp); PubMed 39433398 (cited by Labcorp Genetics (formerly Invitae), Labcorp).